The following is an entry in ClinVar:

NM_000169.3(GLA):c.871G>A (p.Ala291Thr)

Genes: GLA (galactosidase alpha; minus strand), RPL36A-HNRNPH2 (RPL36A-HNRNPH2 readthrough; plus strand). Cytogenetic location: Xq22.1.
Variant type: single nucleotide variant.
Coding change: c.871G>A on transcript NM_000169.3 (MANE Select); coding-DNA position 871, G replaced by A.
Protein change: p.Ala291Thr; replaces alanine 291 with threonine.
Molecular consequence: missense variant. On other transcripts: non-coding transcript variant (3), intron variant (2).
Genome position (GRCh38, 1-based): chrX:101,398,498, C>T on the plus strand (G>A on the coding strand, the complement: GLA is on the minus strand). VCF-style: chrX-101398498-C-T. GRCh37 (hg19) VCF-style: chrX-100653486-C-T.
Other names: c.994G>A, p.Ala332Thr (NM_001406747.1); c.871G>A, p.Ala291Thr (NM_001406748.1); c.300+3041C>T (NM_001199973.2); c.177+6676C>T (NM_001199974.2); short protein forms A291T, A332T.
Identifiers: ClinVar variation 2138663 (VCV002138663.6), dbSNP rs869312439, ClinGen allele CA352629.

ClinVar aggregate classification (germline): Likely pathogenic. Review status: criteria provided, multiple submitters, no conflicts (2 of 4 stars). 2 submissions from 2 submitters: Likely pathogenic (2). Last evaluated 2026-09-08.

Conditions:
Fabry disease. Also called: Fabry's disease; GLA DEFICIENCY; HEREDITARY DYSTOPIC LIPIDOSIS; ANDERSON-FABRY DISEASE; CERAMIDE TRIHEXOSIDASE DEFICIENCY; Ceramide trihexosidosis. Identifiers: Orphanet 324, MedGen C0002986, MONDO:0010526, OMIM 301500, HP:0001071. Disease mechanism: loss of function, Fabry disease is due to inactivating mutations in the X-linked GLA gene resulting in deficiency of the enzyme Alpha Galactosidase-A..

Submissions (2):

Genomenon, Inc
Classification: Likely pathogenic for Fabry disease. Last evaluated: 2026-09-08. Review status: criteria provided, single submitter. Criteria: Genomenon Sequence Variant Interpretation Standards - Updated. Collection method: curation. Allele origin: germline. Affected: yes.
Comment: GLA p.Ala291Thr (c.871G>A) is a missense variant that changes the amino acid at codon 291 from Alanine to Threonine. This variant has been observed in at least one proband with clinical features consistent with Fabry disease (PMID:27560961;18046674;18849176;19737285). The variant was found to segregate with disease in at least one affected family (PMID:18849176). Functional or patient cell studies have been reported (PMID:32023956;23935525;27657681;19737285;18849176). It is absent or not present at a significant frequency in gnomAD. In silico models predict that this variant is possibly or probably damaging. In conclusion, we classify GLA p.Ala291Thr (c.871G>A) as a likely pathogenic variant.

Labcorp Genetics (formerly Invitae), Labcorp
Classification: Likely pathogenic for Fabry disease. Last evaluated: 2022-06-09. Review status: criteria provided, single submitter. Criteria: Invitae Variant Classification Sherloc (09022015). Collection method: clinical testing. Allele origin: germline.
Comment: In summary, the currently available evidence indicates that the variant is pathogenic, but additional data are needed to prove that conclusively. Therefore, this variant has been classified as Likely Pathogenic. Experimental studies have shown that this missense change affects GLA function (PMID: 23935525). Algorithms developed to predict the effect of missense changes on protein structure and function (SIFT, PolyPhen-2, Align-GVGD) all suggest that this variant is likely to be disruptive. This missense change has been observed in individual(s) with Fabry disease (PMID: 18046674, 18849176, 27560961). This variant is not present in population databases (gnomAD no frequency). This sequence change replaces alanine, which is neutral and non-polar, with threonine, which is neutral and polar, at codon 291 of the GLA protein (p.Ala291Thr).

Literature cited by the submitters: PubMed 27560961 (cited by Genomenon, Inc and Labcorp Genetics (formerly Invitae), Labcorp); PubMed 18046674 (cited by Genomenon, Inc and Labcorp Genetics (formerly Invitae), Labcorp); PubMed 18849176 (cited by Genomenon, Inc and Labcorp Genetics (formerly Invitae), Labcorp); PubMed 19737285 (cited by Genomenon, Inc); PubMed 32023956 (cited by Genomenon, Inc); PubMed 23935525 (cited by Genomenon, Inc and Labcorp Genetics (formerly Invitae), Labcorp); PubMed 27657681 (cited by Genomenon, Inc).